The following is an entry in ClinVar:

NM_016333.4(SRRM2):c.3414C>G (p.Phe1138Leu)

Gene: SRRM2 (serine/arginine repetitive matrix 2; plus strand). Cytogenetic location: 16p13.3.
Variant type: single nucleotide variant.
Coding change: c.3414C>G on transcript NM_016333.4 (MANE Select); coding-DNA position 3414, C replaced by G.
Protein change: p.Phe1138Leu; replaces phenylalanine 1138 with leucine.
Molecular consequence: missense variant.
Genome position (GRCh38, 1-based): chr16:2,763,942, C>G. VCF-style: chr16-2763942-C-G. GRCh37 (hg19) VCF-style: chr16-2813943-C-G.
Other names: short protein forms F1138L.
Identifiers: ClinVar variation 3346861 (VCV003346861.1).
Genomic context (GRCh38, chr16:2,763,942, plus strand): 5'-AGGTGAGTTCTCAGCGAGTCCTATGTTGAAATCTGGAATGTCTCCTGAGCAGAGCAGGTT[C>G]CAGTCTGACTCTTCTTCATATCCTACAGTGGACTCGAATTCTCTCTTGGGGCAGAGTAGA-3'
Protein context (NP_057417.3, residues 1128-1148): KSGMSPEQSR[Phe1138Leu]QSDSSSYPTV

ClinVar aggregate classification (germline): Uncertain significance (0 of 4 stars; one submission).

Conditions:
SRRM2-related disorder. Also called: SRRM2-related condition.

Submission:

PreventionGenetics, part of Exact Sciences
Classification: Uncertain significance for SRRM2-related condition. Last evaluated: 2024-07-23. Review status: no assertion criteria provided. Collection method: clinical testing. Allele origin: germline.
Comment: The SRRM2 c.3414C>G variant is predicted to result in the amino acid substitution p.Phe1138Leu. To our knowledge, this variant has not been reported in the literature. This variant is reported in 0.0018% of alleles in individuals of European (Non-Finnish) descent in gnomAD. At this time, the clinical significance of this variant is uncertain due to the absence of conclusive functional and genetic evidence.